The following is an entry in ClinVar:

ClinVar aggregate classification (germline): Conflicting classifications of pathogenicity. Review status: criteria provided, conflicting classifications (1 of 4 stars). 4 submissions from 4 submitters: Pathogenic (1); Likely pathogenic (1); Uncertain significance (1). 1 of the submissions does not count toward it. Last evaluated 2026-02-02.

Conditions:
FBN1-related disorder. Also called: FBN1-related disorders.
Marfan syndrome (MFS). Also called: MARFAN SYNDROME, TYPE I; Marfan syndrome type 1; Marfan's syndrome; Marfan syndrome, classic; FBN1-Related Marfan Syndrome. Identifiers: Orphanet 284963, Orphanet 558, MedGen C0024796, MONDO:0007947, OMIM 154700.
Familial thoracic aortic aneurysm and aortic dissection (TAAD). Also called: Thoracic aortic aneurysms and dissections. Identifiers: Orphanet 91387, MedGen C4707243, MONDO:0019625.
Acromicric dysplasia (ACMICD). Also called: Acromicric skeletal dysplasia. Identifiers: Orphanet 969, MedGen C0265287, MONDO:0007055, OMIM 102370.

Submissions (4):

OLLIN Analises Genomicas, OLLIN
Classification: Uncertain significance for Acromicric dysplasia. Last evaluated: 2026-02-02. Review status: criteria provided, single submitter. Criteria: ACMG Guidelines 2015 PMID 25741868. Collection method: clinical testing. Allele origin: germline. Affected: yes. Observed: 1 variant allele.
Comment: The missense variant (chr15:48456754C>T), located in exon 44 (of 66), is not reported in the gnomAD v4.1 non-UKB databases and was not found in the scientific literature. However, it is reported in the ClinVar database (VCV001420959.9). In silico analysis predicts that this variant has a deleterious effect. This gene shows low tolerance to missense variantion. According to currently available evidence, this variant has been classified as of uncertain significance (VUS) (PM2_P, PP2, PP3).

Blueprint Genetics
Classification: Likely pathogenic for FBN1-related disorders. Last evaluated: 2024-09-25. Review status: criteria provided, single submitter. Criteria: ACMG Guidelines, 2015. Collection method: clinical testing. Allele origin: germline. Affected: yes. Observed: 1 variant allele.

Labcorp Genetics (formerly Invitae), Labcorp
Classification: Pathogenic for Marfan syndrome; Familial thoracic aortic aneurysm and aortic dissection. Last evaluated: 2022-02-05. Review status: criteria provided, single submitter. Criteria: Invitae Variant Classification Sherloc (09022015). Collection method: clinical testing. Allele origin: germline.
Comment: For these reasons, this variant has been classified as Pathogenic. Advanced modeling of protein sequence and biophysical properties (such as structural, functional, and spatial information, amino acid conservation, physicochemical variation, residue mobility, and thermodynamic stability) performed at Invitae indicates that this missense variant is expected to disrupt FBN1 protein function. This missense change has been observed in individual(s) with clinical features of Marfan syndrome (Invitae). This variant is not present in population databases (gnomAD no frequency). This sequence change replaces glutamic acid, which is acidic and polar, with lysine, which is basic and polar, at codon 1769 of the FBN1 protein (p.Glu1769Lys).

Department of Laboratory Medicine and Genetics, Samsung Medical Center
Classification: Likely pathogenic for Marfan syndrome. Last evaluated: 2025-01-02. Review status: no assertion criteria provided. Collection method: clinical testing. Allele origin: germline. Not counted in ClinVar's aggregate classification.
Comment: The NM_000138.5:c.5305G>A is considered to be rare in the general population database (gnomAD v2.1.1). This variant is predicted to be deletrious by in-silico analysis (REVEL). This variant is located in functional domains. This variant was found in a patient with known Marfan syndrome (PMID: 11933199). In summary, this variant was classified as a likely pathogenic variant for Marfan syndrome (PM1, PP2, PP3, PS4_P, PM2_P).

Literature cited by the submitters: PubMed 11933199 (cited by Department of Laboratory Medicine and Genetics, Samsung Medical Center); PubMed 37558401 (cited by Department of Laboratory Medicine and Genetics, Samsung Medical Center).

NM_000138.5(FBN1):c.5305G>A (p.Glu1769Lys)

Gene: FBN1 (fibrillin 1; minus strand). Cytogenetic location: 15q21.1.
Variant type: single nucleotide variant.
Coding change: c.5305G>A on transcript NM_000138.5 (MANE Select); coding-DNA position 5305, G replaced by A.
Protein change: p.Glu1769Lys; replaces glutamic acid 1769 with lysine.
Molecular consequence: missense variant.
Genome position (GRCh38, 1-based): chr15:48,456,754, C>T on the plus strand (G>A on the coding strand, the complement: FBN1 is on the minus strand). VCF-style: chr15-48456754-C-T. GRCh37 (hg19) VCF-style: chr15-48748951-C-T.
Other names: short protein forms E1769K.
Identifiers: ClinVar variation 1420959 (VCV001420959.11), dbSNP rs2141260472, ClinGen allele CA392346533.